The following is an entry in ClinVar:

NM_001395891.1(CLASP1):c.692A>G (p.Asn231Ser)

Gene: CLASP1 (cytoplasmic linker associated protein 1; minus strand). Cytogenetic location: 2q14.2.
Variant type: single nucleotide variant.
Coding change: c.692A>G on transcript NM_001395891.1 (MANE Select); coding-DNA position 692, A replaced by G.
Protein change: p.Asn231Ser; replaces asparagine 231 with serine.
Molecular consequence: missense variant.
Genome position (GRCh38, 1-based): chr2:121,503,187, T>C on the plus strand (A>G on the coding strand, the complement: CLASP1 is on the minus strand). VCF-style: chr2-121503187-T-C. GRCh37 (hg19) VCF-style: chr2-122260763-T-C.
Other names: c.692A>G, p.Asn231Ser (NM_001142273.2, NM_001142274.2, NM_001207051.2 and 4 more transcripts); short protein forms N231S.
Identifiers: ClinVar variation 2634827 (VCV002634827.1), dbSNP rs770261375, ClinGen allele CA1854493.
Genomic context (GRCh38, chr2:121,503,187, plus strand): 5'-AACTGAAAAAGCAAAAGTAGGGATTGCTTTTTCTACTCACCATTTGCAGATTGTATCATG[T>C]TTCCAGATTTCTGGACTTCATCAAATTTTGTAAAAATTACATTCAACCTGTATGAAAGAA-3'
Protein context (NP_001382820.1, residues 221-241): TKFDEVQKSG[Asn231Ser]MIQSANDKNF

ClinVar aggregate classification (germline): Uncertain significance (1 of 4 stars; one submission).

Conditions:
CLASP1-related disorder. Also called: CLASP1-related condition.

Allele frequency attached by ClinVar (database versions not stated): ExAC 0.00004; gnomAD 0.00015; TOPMed 0.00021; gnomAD exomes 0.00022.
gnomAD v4.1: 334 of 1,550,602 alleles (0.022%); highest among the groups gnomAD compares: Admixed American, 0.055%; no homozygotes.

Submission:

PreventionGenetics, part of Exact Sciences
Classification: Uncertain significance for CLASP1-related condition. Last evaluated: 2022-11-09. Review status: criteria provided, single submitter. Criteria: ACMG Guidelines, 2015. Collection method: clinical testing. Allele origin: germline.
Comment: The CLASP1 c.692A>G variant is predicted to result in the amino acid substitution p.Asn231Ser. To our knowledge, this variant has not been reported in the literature. This variant is reported in 0.055% of alleles in individuals of Latino descent in gnomAD. Although we suspect that this variant may be benign, at this time, the clinical significance of this variant is uncertain due to the absence of conclusive functional and genetic evidence.